The following is an entry in ClinVar:

ClinVar aggregate classification (germline): Uncertain significance. Review status: criteria provided, multiple submitters, no conflicts (2 of 4 stars). 4 submissions from 4 submitters: Uncertain significance (4). Last evaluated 2026-03-25.

Conditions:
Retinitis pigmentosa 40 (RP40). Identifiers: Orphanet 791, MedGen C3151107, MONDO:0013429, OMIM 613801.
Congenital stationary night blindness autosomal dominant 2. Also called: NIGHT BLINDNESS, CONGENITAL STATIONARY, RAMBUSCH TYPE. Identifiers: Orphanet 215, MedGen C1876182, MONDO:0008099, OMIM 163500.
PDE6B-related disorder. Also called: PDE6B-related disease; PDE6B-related condition; PDE6B-related disorders.

Allele frequency attached by ClinVar (database versions not stated): gnomAD 0.00002 and 0.00003; TOPMed 0.00006; gnomAD exomes 0.00013; ExAC 0.00016.
gnomAD v4.1: 55 of 1,611,350 alleles (0.0034%); highest among the groups gnomAD compares: Admixed American, 0.052%; 1 homozygote.

Submissions (4):

PreventionGenetics, part of Exact Sciences
Classification: Uncertain significance for PDE6B-related condition. Last evaluated: 2026-03-25. Review status: criteria provided, single submitter. Criteria: ACMG Guidelines, 2015. Collection method: clinical testing. Allele origin: germline.
Comment: The PDE6B c.2332G>A variant is predicted to result in the amino acid substitution p.Val778Met. This variant was reported in the homozygous state in an individual with retinal degeneration (supplementary data, Zampaglione et al. 2022. PubMed ID: 34906470). However, this variant is reported in 0.078% of alleles in individuals of Latino descent in gnomAD, which may be too frequent to be a primary cause of disease. Although we suspect that this variant may be benign, at this time, the clinical significance of this variant is uncertain due to the absence of conclusive functional and genetic evidence.

Labcorp Genetics (formerly Invitae), Labcorp
Classification: Uncertain significance. Last evaluated: 2025-11-26. Review status: criteria provided, single submitter. Criteria: Invitae Variant Classification Sherloc (09022015). Collection method: clinical testing. Allele origin: germline.
Comment: This sequence change replaces valine, which is neutral and non-polar, with methionine, which is neutral and non-polar, at codon 778 of the PDE6B protein (p.Val778Met). This variant is present in population databases (rs775321796, gnomAD 0.08%), including at least one homozygous and/or hemizygous individual. This missense change has been observed in individual(s) with autosomal recessive inherited retinal dystrophy (PMID: 34906470). ClinVar contains an entry for this variant (Variation ID: 853337). Invitae Evidence Modeling of protein sequence and biophysical properties (such as structural, functional, and spatial information, amino acid conservation, physicochemical variation, residue mobility, and thermodynamic stability) indicates that this missense variant is expected to disrupt PDE6B protein function with a positive predictive value of 80%. In summary, the available evidence is currently insufficient to determine the role of this variant in disease. Therefore, it has been classified as a Variant of Uncertain Significance.

Department of Pathology and Laboratory Medicine, Sinai Health System
Classification: Uncertain significance for Congenital stationary night blindness autosomal dominant 2; Retinitis pigmentosa 40. Last evaluated: 2021-11-17. Review status: criteria provided, single submitter. Criteria: ACMG Guidelines, 2015. Collection method: research. Allele origin: germline.

Ocular Genomics Institute, Massachusetts Eye and Ear
Classification: Uncertain significance for Retinitis pigmentosa 40. Last evaluated: 2021-04-08. Review status: criteria provided, single submitter. Criteria: ACMG Guidelines, 2015. Collection method: research. Allele origin: germline. Affected: yes.
Comment: Through a review of available evidence we were able to apply the following criteria: PM2, PP3, PM3-P. Based on this evidence we have classified this variant as Variant of Uncertain Significance.

Literature cited by the submitters: PubMed 34906470 (cited by Labcorp Genetics (formerly Invitae), Labcorp).

NM_000283.4(PDE6B):c.2332G>A (p.Val778Met)

Gene: PDE6B (phosphodiesterase 6B; plus strand). Cytogenetic location: 4p16.3.
Variant type: single nucleotide variant.
Coding change: c.2332G>A on transcript NM_000283.4 (MANE Select); coding-DNA position 2332, G replaced by A.
Protein change: p.Val778Met; replaces valine 778 with methionine.
Molecular consequence: missense variant.
Genome position (GRCh38, 1-based): chr4:666,594, G>A. VCF-style: chr4-666594-G-A. GRCh37 (hg19) VCF-style: chr4-660383-G-A.
Other names: c.2332G>A, p.Val778Met (NM_001145291.2); c.1495G>A, p.Val499Met (NM_001145292.2, NM_001350154.3, NM_001379246.1 and 1 more transcripts); c.1177G>A, p.Val393Met (NM_001350155.3); short protein forms V499M, V393M, V778M.
Identifiers: ClinVar variation 853337 (VCV000853337.12), dbSNP rs775321796, ClinGen allele CA2795011.